The following is an entry in ClinVar:

ClinVar aggregate classification (germline): Likely benign (1 of 4 stars; one submission).

Submission:

CeGaT Center for Human Genetics Tuebingen
Classification: Likely benign. Last evaluated: 2023-01-01. Review status: criteria provided, single submitter. Criteria: CeGaT Center For Human Genetics Tuebingen Variant Classification Criteria Version 2. Collection method: clinical testing. Allele origin: germline. Affected: yes. Observed: 1 variant allele.
Comment: SBSN: BS2

NM_001166034.2(SBSN):c.489_542del (p.174VHHAAGQAGNEAGRFGQG[1])

Gene: SBSN (suprabasin; minus strand). Cytogenetic location: 19q13.12.
Variant type: Deletion.
Coding change: c.489_542del on transcript NM_001166034.2 (MANE Select); coding-DNA positions 489 to 542, 54 bases deleted.
Protein change: p.174VHHAAGQAGNEAGRFGQG[1].
Molecular consequence: inframe deletion. On other transcripts: intron variant (2).
Genome position (GRCh38, 1-based): chr19:35,527,740-35,527,793, 54 bases deleted. GRCh37 (hg19): chr19:36,018,658-36,018,711.
Other names: c.375+114_375+167del (NM_001166035.2, NM_198538.4).
Identifiers: ClinVar variation 2649721 (VCV002649721.24), dbSNP rs74172742, ClinGen allele CA9379696.